The following is an entry in ClinVar:

ClinVar aggregate classification (germline): Uncertain significance. Review status: criteria provided, multiple submitters, no conflicts (2 of 4 stars). 2 submissions from 2 submitters: Uncertain significance (2). Last evaluated 2026-05-24.

Conditions:
Inborn genetic diseases. Identifiers: MedGen C0950123, MeSH D030342.

Submissions (2):

Ambry Genetics
Classification: Uncertain significance for Inborn genetic diseases. Last evaluated: 2026-05-24. Review status: criteria provided, single submitter. Criteria: Ambry Variant Classification Scheme 2023. Collection method: clinical testing. Allele origin: germline.
Comment: The p.P1239S variant (also known as c.3715C>T), located in coding exon 1 of the SAMD9L gene, results from a C to T substitution at nucleotide position 3715. The proline at codon 1239 is replaced by serine, an amino acid with similar properties. This amino acid position is conserved. In addition, this alteration is predicted to be tolerated by in silico analysis. Based on the available evidence, the clinical significance of this variant remains unclear.

Labcorp Genetics (formerly Invitae), Labcorp
Classification: Uncertain significance. Last evaluated: 2025-02-09. Review status: criteria provided, single submitter. Criteria: Invitae Variant Classification Sherloc (09022015). Collection method: clinical testing. Allele origin: germline.
Comment: This sequence change replaces proline, which is neutral and non-polar, with serine, which is neutral and polar, at codon 1239 of the SAMD9L protein (p.Pro1239Ser). This variant is not present in population databases (gnomAD no frequency). This variant has not been reported in the literature in individuals affected with SAMD9L-related conditions. Invitae Evidence Modeling of protein sequence and biophysical properties (such as structural, functional, and spatial information, amino acid conservation, physicochemical variation, residue mobility, and thermodynamic stability) indicates that this missense variant is not expected to disrupt SAMD9L protein function with a negative predictive value of 80%. In summary, the available evidence is currently insufficient to determine the role of this variant in disease. Therefore, it has been classified as a Variant of Uncertain Significance.

NM_152703.5(SAMD9L):c.3715C>T (p.Pro1239Ser)

Gene: SAMD9L (sterile alpha motif domain containing 9 like; minus strand). Cytogenetic location: 7q21.2.
Variant type: single nucleotide variant.
Coding change: c.3715C>T on transcript NM_152703.5 (MANE Select); coding-DNA position 3715, C replaced by T.
Protein change: p.Pro1239Ser; replaces proline 1239 with serine.
Molecular consequence: missense variant.
Genome position (GRCh38, 1-based): chr7:93,132,257, G>A on the plus strand (C>T on the coding strand, the complement: SAMD9L is on the minus strand). VCF-style: chr7-93132257-G-A. GRCh37 (hg19) VCF-style: chr7-92761570-G-A.
Other names: c.3715C>T, p.Pro1239Ser (NM_001303496.3, NM_001303497.3, NM_001303498.3 and 5 more transcripts); c.3715C>T (NM_152703.2); short protein forms P1239S.
Identifiers: ClinVar variation 4773737 (VCV004773737.2).